The following is an entry in ClinVar:

NM_004006.3(DMD):c.3986C>A (p.Thr1329Asn)

Gene: DMD (dystrophin; minus strand). Cytogenetic location: Xp21.1.
Variant type: single nucleotide variant.
Coding change: c.3986C>A on transcript NM_004006.3 (MANE Select); coding-DNA position 3986, C replaced by A.
Protein change: p.Thr1329Asn; replaces threonine 1329 with asparagine.
Molecular consequence: missense variant.
Genome position (GRCh38, 1-based): chrX:32,438,326, G>T on the plus strand (C>A on the coding strand, the complement: DMD is on the minus strand). VCF-style: chrX-32438326-G-T. GRCh37 (hg19) VCF-style: chrX-32456443-G-T.
Other names: c.3962C>A, p.Thr1321Asn (NM_000109.4); c.3974C>A, p.Thr1325Asn (NM_004009.3); c.3617C>A, p.Thr1206Asn (NM_004010.3); short protein forms T1206N, T1321N, T1325N, T1329N.
Identifiers: ClinVar variation 1411200 (VCV001411200.5), dbSNP rs770827878, ClinGen allele CA412669383.

ClinVar aggregate classification (germline): Uncertain significance (1 of 4 stars; one submission).

Conditions:
Duchenne muscular dystrophy (DMD). Also called: MUSCULAR DYSTROPHY, PSEUDOHYPERTROPHIC PROGRESSIVE, DUCHENNE TYPE; Duchenne Muscular Dystrophy (DMD). Identifiers: Orphanet 98896, MedGen C0013264, MONDO:0010679, OMIM 310200.

gnomAD v4.1: 1 of 1,211,048 alleles (0.000083%); highest among the groups gnomAD compares: Non-Finnish European, 0.00011%; no homozygotes.

Submission:

Labcorp Genetics (formerly Invitae), Labcorp
Classification: Uncertain significance for Duchenne muscular dystrophy. Last evaluated: 2024-02-07. Review status: criteria provided, single submitter. Criteria: Invitae Variant Classification Sherloc (09022015). Collection method: clinical testing. Allele origin: germline.
Comment: This sequence change replaces threonine, which is neutral and polar, with asparagine, which is neutral and polar, at codon 1329 of the DMD protein (p.Thr1329Asn). This variant is present in population databases (no rsID available, gnomAD 0.02%). This variant has not been reported in the literature in individuals affected with DMD-related conditions. ClinVar contains an entry for this variant (Variation ID: 1411200). Advanced modeling of protein sequence and biophysical properties (such as structural, functional, and spatial information, amino acid conservation, physicochemical variation, residue mobility, and thermodynamic stability) performed at Invitae indicates that this missense variant is not expected to disrupt DMD protein function with a negative predictive value of 95%. In summary, the available evidence is currently insufficient to determine the role of this variant in disease. Therefore, it has been classified as a Variant of Uncertain Significance.